The following is an entry in ClinVar:

NM_000186.4(CFH):c.1511C>G (p.Thr504Arg)

Gene: CFH (complement factor H; plus strand). Cytogenetic location: 1q31.3.
Variant type: single nucleotide variant.
Coding change: c.1511C>G on transcript NM_000186.4 (MANE Select); coding-DNA position 1511, C replaced by G.
Protein change: p.Thr504Arg; replaces threonine 504 with arginine.
Molecular consequence: missense variant.
Genome position (GRCh38, 1-based): chr1:196,713,909, C>G. VCF-style: chr1-196713909-C-G. GRCh37 (hg19) VCF-style: chr1-196683039-C-G.
Other names: short protein forms T504R.
Identifiers: ClinVar variation 1927291 (VCV001927291.6), dbSNP rs377008918, ClinGen allele CA1305405.
Genomic context (GRCh38, chr1:196,713,909, plus strand): 5'-CAGATGGTGAAACATCAGGATCAATTACATGTGGGAAAGATGGATGGTCAGCTCAACCCA[C>G]GTGCATTAGTAAGTAATTTATTATGTTTGTATTGATTATCCAGATGATACACAAAAGTTT-3'
Protein context (NP_000177.2, residues 494-514): CGKDGWSAQP[Thr504Arg]CIKSCDIPVF

ClinVar aggregate classification (germline): Uncertain significance. Review status: criteria provided, multiple submitters, no conflicts (2 of 4 stars). 2 submissions from 2 submitters: Uncertain significance (2). Last evaluated 2024-02-29.

Conditions:
Basal laminar drusen. Also called: DRUSEN OF BRUCH MEMBRANE; DRUSEN, CUTICULAR; DRUSEN, EARLY ADULT-ONSET, GROUPED. Identifiers: Orphanet 75376, MedGen C0730295, MONDO:0007472, OMIM 126700.
Age related macular degeneration 4. Identifiers: MedGen C1853147, MONDO:0012540, OMIM 610698.
Factor H deficiency (CFHD). Also called: COMPLEMENT FACTOR H DEFICIENCY; CFH DEFICIENCY. Identifiers: Orphanet 200421, MedGen C0398777, MONDO:0012350, OMIM 609814.
Hemolytic uremic syndrome, atypical, susceptibility to, 1. Also called: AHUS, SUSCEPTIBILITY TO, 1. Identifiers: Orphanet 2134, Orphanet 90038, MedGen C2749604, MONDO:0009335, OMIM 235400. Disease mechanism: Other.

gnomAD v4.1: 8 of 1,611,644 alleles (0.0005%); highest among the groups gnomAD compares: Admixed American, 0.013%; no homozygotes.

Submissions (2):

Fulgent Genetics
Classification: Uncertain significance for Basal laminar drusen; Hemolytic uremic syndrome, atypical, susceptibility to, 1; Factor H deficiency; Age related macular degeneration 4. Last evaluated: 2024-02-29. Review status: criteria provided, single submitter. Criteria: ACMG Guidelines, 2015. Collection method: clinical testing. Allele origin: germline.

Labcorp Genetics (formerly Invitae), Labcorp
Classification: Uncertain significance. Last evaluated: 2022-09-26. Review status: criteria provided, single submitter. Criteria: Invitae Variant Classification Sherloc (09022015). Collection method: clinical testing. Allele origin: germline.
Comment: This sequence change replaces threonine, which is neutral and polar, with arginine, which is basic and polar, at codon 504 of the CFH protein (p.Thr504Arg). This variant is present in population databases (rs377008918, gnomAD 0.02%). This variant has not been reported in the literature in individuals affected with CFH-related conditions. Algorithms developed to predict the effect of missense changes on protein structure and function output the following: SIFT: "Tolerated"; PolyPhen-2: "Benign"; Align-GVGD: "Class C0". The arginine amino acid residue is found in multiple mammalian species, which suggests that this missense change does not adversely affect protein function. In summary, the available evidence is currently insufficient to determine the role of this variant in disease. Therefore, it has been classified as a Variant of Uncertain Significance.